The following is an entry in ClinVar:

ClinVar aggregate classification (germline): Uncertain significance. Review status: criteria provided, multiple submitters, no conflicts (2 of 4 stars). 2 submissions from 2 submitters: Uncertain significance (2). Last evaluated 2025-11-20.

Conditions:
Inborn genetic diseases. Identifiers: MedGen C0950123, MeSH D030342.

Allele frequency attached by ClinVar (database versions not stated): TOPMed below 0.00001; ExAC 0.00001.
gnomAD v4.1: 6 of 1,612,380 alleles (0.00037%); highest among the groups gnomAD compares: Non-Finnish European, 0.00051%; no homozygotes.

Submissions (2):

Ambry Genetics
Classification: Uncertain significance for Inborn genetic diseases. Last evaluated: 2025-11-20. Review status: criteria provided, single submitter. Criteria: Ambry Variant Classification Scheme 2023. Collection method: clinical testing. Allele origin: germline.

CeGaT Center for Human Genetics Tuebingen
Classification: Uncertain significance. Last evaluated: 2024-04-01. Review status: criteria provided, single submitter. Criteria: CeGaT Center For Human Genetics Tuebingen Variant Classification Criteria Version 2. Collection method: clinical testing. Allele origin: germline. Affected: yes. Observed: 1 variant allele.
Comment: ASXL2: PM2, BP4

NM_018263.6(ASXL2):c.3962C>A (p.Thr1321Asn)

Gene: ASXL2 (ASXL transcriptional regulator 2; minus strand). Cytogenetic location: 2p23.3.
Variant type: single nucleotide variant.
Coding change: c.3962C>A on transcript NM_018263.6 (MANE Select); coding-DNA position 3962, C replaced by A.
Protein change: p.Thr1321Asn; replaces threonine 1321 with asparagine.
Molecular consequence: missense variant.
Genome position (GRCh38, 1-based): chr2:25,742,375, G>T on the plus strand (C>A on the coding strand, the complement: ASXL2 is on the minus strand). VCF-style: chr2-25742375-G-T. GRCh37 (hg19) VCF-style: chr2-25965244-G-T.
Other names: c.3962C>A (NM_018263.4); c.3788C>A, p.Thr1263Asn (NM_001369346.1); c.3182C>A, p.Thr1061Asn (NM_001369347.1); short protein forms T1061N, T1263N, T1321N.
Identifiers: ClinVar variation 3234480 (VCV003234480.20), dbSNP rs750253621, ClinGen allele CA1557388.